The following is an entry in ClinVar:

ClinVar aggregate classification (germline): Likely benign (1 of 4 stars; one submission).

Submission:

GeneDx
Classification: Likely benign. Last evaluated: 2017-11-03. Review status: criteria provided, single submitter. Criteria: GeneDx Variant Classification (06012015). Collection method: clinical testing. Allele origin: germline. Affected: yes.
Comment: This variant is considered likely benign or benign based on one or more of the following criteria: it is a conservative change, it occurs at a poorly conserved position in the protein, it is predicted to be benign by multiple in silico algorithms, and/or has population frequency not consistent with disease.

NM_001267550.2(TTN):c.44282-8T>C

Gene: TTN (titin; minus strand). Cytogenetic location: 2q31.2.
Variant type: single nucleotide variant.
Coding change: c.44282-8T>C on transcript NM_001267550.2 (MANE Select); 8 bases into the intron before coding-DNA position 44282, T replaced by C.
Molecular consequence: intron variant.
Genome position (GRCh38, 1-based): chr2:178,629,451, A>G on the plus strand (T>C on the coding strand, the complement: TTN is on the minus strand). VCF-style: chr2-178629451-A-G. GRCh37 (hg19) VCF-style: chr2-179494178-A-G.
Other names: c.17087-8T>C (NM_003319.4); c.17663-8T>C (NM_133437.4); c.17462-8T>C (NM_133432.3); c.36578-8T>C (NM_133378.4); c.39359-8T>C (NM_001256850.1).
Identifiers: ClinVar variation 513228 (VCV000513228.1), dbSNP rs776808322, ClinGen allele CA658796015.